The following is an entry in ClinVar:

NM_001458.5(FLNC):c.1295G>A (p.Gly432Asp)

Gene: FLNC (filamin C; plus strand). Cytogenetic location: 7q32.1.
Variant type: single nucleotide variant.
Coding change: c.1295G>A on transcript NM_001458.5 (MANE Select); coding-DNA position 1295, G replaced by A.
Protein change: p.Gly432Asp; replaces glycine 432 with aspartic acid.
Molecular consequence: missense variant.
Genome position (GRCh38, 1-based): chr7:128,838,687, G>A. VCF-style: chr7-128838687-G-A. GRCh37 (hg19) VCF-style: chr7-128478741-G-A.
Other names: c.1295G>A, p.Gly432Asp (NM_001127487.2); short protein forms G432D.
Identifiers: ClinVar variation 1769193 (VCV001769193.4), dbSNP rs750350780, ClinGen allele CA369224634.

ClinVar aggregate classification (germline): Uncertain significance. Review status: criteria provided, multiple submitters, no conflicts (2 of 4 stars). 2 submissions from 2 submitters: Uncertain significance (2). Last evaluated 2024-09-25.

Conditions:
Distal myopathy with posterior leg and anterior hand involvement. Also called: WILLIAMS DISTAL MYOPATHY. Identifiers: Orphanet 63273, MedGen C3279722, MONDO:0013550, OMIM 614065.
Myofibrillar myopathy 5. Also called: Filaminopathy (type); FILAMINOPATHY, AUTOSOMAL DOMINANT. Identifiers: Orphanet 171445, MedGen C1836050, MONDO:0012289, OMIM 609524.
Hypertrophic cardiomyopathy 26. Also called: Cardiomyopathy, familial hypertrophic, 26. Identifiers: Orphanet 75249, MedGen C4310749, MONDO:0014883, OMIM 617047.
Cardiovascular phenotype. Identifiers: MedGen CN230736.

Allele frequency attached by ClinVar (database versions not stated): gnomAD 0.00001.
gnomAD v4.1: 1 of 1,612,928 alleles (0.000062%); highest among the groups gnomAD compares: African/African-American, 0.0013%; no homozygotes.

Submissions (2):

Labcorp Genetics (formerly Invitae), Labcorp
Classification: Uncertain significance for Distal myopathy with posterior leg and anterior hand involvement; Myofibrillar myopathy 5; Hypertrophic cardiomyopathy 26. Last evaluated: 2024-09-25. Review status: criteria provided, single submitter. Criteria: Invitae Variant Classification Sherloc (09022015). Collection method: clinical testing. Allele origin: germline.
Comment: This sequence change replaces glycine, which is neutral and non-polar, with aspartic acid, which is acidic and polar, at codon 432 of the FLNC protein (p.Gly432Asp). This variant is not present in population databases (gnomAD no frequency). This variant has not been reported in the literature in individuals affected with FLNC-related conditions. ClinVar contains an entry for this variant (Variation ID: 1769193). Invitae Evidence Modeling of protein sequence and biophysical properties (such as structural, functional, and spatial information, amino acid conservation, physicochemical variation, residue mobility, and thermodynamic stability) has been performed for this missense variant. However, the output from this modeling did not meet the statistical confidence thresholds required to predict the impact of this variant on FLNC protein function. In summary, the available evidence is currently insufficient to determine the role of this variant in disease. Therefore, it has been classified as a Variant of Uncertain Significance.

Ambry Genetics
Classification: Uncertain significance for Cardiovascular phenotype. Last evaluated: 2023-11-25. Review status: criteria provided, single submitter. Criteria: Ambry Variant Classification Scheme 2023. Collection method: clinical testing. Allele origin: germline.
Comment: The p.G432D variant (also known as c.1295G>A), located in coding exon 8 of the FLNC gene, results from a G to A substitution at nucleotide position 1295. The glycine at codon 432 is replaced by aspartic acid, an amino acid with similar properties. This amino acid position is highly conserved in available vertebrate species. In addition, the in silico prediction for this alteration is inconclusive. Since supporting evidence is limited at this time, the clinical significance of this alteration remains unclear.